The following is an entry in ClinVar:

NM_000718.4(CACNA1B):c.6366G>A (p.Ser2122=)

Gene: CACNA1B (calcium voltage-gated channel subunit alpha1 B; plus strand). Cytogenetic location: 9q34.3.
Variant type: single nucleotide variant.
Coding change: c.6366G>A on transcript NM_000718.4 (MANE Select); coding-DNA position 6366, G replaced by A.
Protein change: p.Ser2122=; no amino-acid change (serine 2122 retained).
Molecular consequence: synonymous variant.
Genome position (GRCh38, 1-based): chr9:138,120,758, G>A. VCF-style: chr9-138120758-G-A. GRCh37 (hg19) VCF-style: chr9-141015210-G-A.
Other names: c.6366G>A, p.Ser2122= (NM_001243812.2); c.6366G>A (NM_000718.3).
Identifiers: ClinVar variation 2084062 (VCV002084062.6), dbSNP rs149071215, ClinGen allele CA5377695.

ClinVar aggregate classification (germline): Conflicting classifications of pathogenicity. Review status: criteria provided, conflicting classifications (1 of 4 stars). 3 submissions from 3 submitters: Uncertain significance (2); Likely benign (1). Last evaluated 2026-01-12.

Conditions:
CACNA1B-related disorder. Also called: CACNA1B-related condition.

Allele frequency attached by ClinVar (database versions not stated): gnomAD exomes 0.00006; gnomAD 0.00038; ESP Exome Variant Server 0.00043; TOPMed 0.00046; ExAC 0.00051; 1000 Genomes Project 30x 0.00094; 1000 Genomes Project 0.00100.
gnomAD v4.1: 144 of 1,549,606 alleles (0.0093%); highest among the groups gnomAD compares: African/African-American, 0.14%; no homozygotes.

Submissions (3):

Labcorp Genetics (formerly Invitae), Labcorp
Classification: Likely benign. Last evaluated: 2026-01-12. Review status: criteria provided, single submitter. Criteria: Invitae Variant Classification Sherloc (09022015). Collection method: clinical testing. Allele origin: germline.

PreventionGenetics, part of Exact Sciences
Classification: Uncertain significance for CACNA1B-related condition. Last evaluated: 2025-09-04. Review status: criteria provided, single submitter. Criteria: ACMG Guidelines, 2015. Collection method: clinical testing. Allele origin: germline.
Comment: The CACNA1B c.6366G>A variant is not predicted to result in an amino acid change (p.=). This variant may generate a novel cryptic acceptor site according to one splicing algorithm (SpliceAI, Jaganathan et al. 2019. PubMed ID: 30661751). To our knowledge, this variant has not been reported in the literature. This variant is reported in 0.18% of alleles in individuals of African descent in gnomAD, which may be too frequent to be an unreported primary cause of disease. Although we suspect that this variant may be benign, at this time, the clinical significance of this variant is uncertain due to the absence of conclusive functional and genetic evidence.

GeneDx
Classification: Uncertain significance. Last evaluated: 2024-11-18. Review status: criteria provided, single submitter. Criteria: GeneDx Variant Classification Process June 2021. Collection method: clinical testing. Allele origin: germline. Affected: yes.
Comment: In silico analysis suggests this variant may impact gene splicing. In the absence of RNA/functional studies, the actual effect of this sequence change is unknown.; Has not been previously published as pathogenic or benign to our knowledge